The following is an entry in ClinVar:

ClinVar aggregate classification (germline): Conflicting classifications of pathogenicity. Review status: criteria provided, conflicting classifications (1 of 4 stars). 2 submissions from 2 submitters: Uncertain significance (1); Likely benign (1). Last evaluated 2023-02-01.

Allele frequency attached by ClinVar (database versions not stated): gnomAD 0.00001; TOPMed 0.00001; ExAC 0.00003; gnomAD exomes 0.00003; ESP Exome Variant Server 0.00008.
gnomAD v4.1: 37 of 1,613,906 alleles (0.0023%); highest among the groups gnomAD compares: South Asian, 0.012%; no homozygotes.

Submissions (2):

CeGaT Center for Human Genetics Tuebingen
Classification: Likely benign. Last evaluated: 2023-02-01. Review status: criteria provided, single submitter. Criteria: CeGaT Center For Human Genetics Tuebingen Variant Classification Criteria Version 2. Collection method: clinical testing. Allele origin: germline. Affected: yes. Observed: 1 variant allele.
Comment: NRXN2: BP4, BP7

Genetic Services Laboratory, University of Chicago
Classification: Uncertain significance. Last evaluated: 2017-09-13. Review status: criteria provided, single submitter. Criteria: ACMG Guidelines, 2015. Collection method: clinical testing. Allele origin: germline. Affected: no.

NM_015080.4(NRXN2):c.2124C>T (p.Gly708=)

Gene: NRXN2 (neurexin 2; minus strand). Cytogenetic location: 11q13.1.
Variant type: single nucleotide variant.
Coding change: c.2124C>T on transcript NM_015080.4 (MANE Select); coding-DNA position 2124, C replaced by T.
Protein change: p.Gly708=; no amino-acid change (glycine 708 retained).
Molecular consequence: synonymous variant.
Genome position (GRCh38, 1-based): chr11:64,660,814, G>A on the plus strand (C>T on the coding strand, the complement: NRXN2 is on the minus strand). VCF-style: chr11-64660814-G-A. GRCh37 (hg19) VCF-style: chr11-64428286-G-A.
Other names: c.2124C>T, p.Gly708= (NM_001376262.1); c.2103C>T, p.Gly701= (NM_001376263.1, NM_001376267.1); c.2079C>T, p.Gly693= (NM_001376265.1); c.2100C>T, p.Gly700= (NM_001376266.1); c.2031C>T, p.Gly677= (NM_138732.3).
Identifiers: ClinVar variation 1336232 (VCV001336232.28), dbSNP rs146517173, ClinGen allele CA6078289.